The following is an entry in ClinVar:

ClinVar aggregate classification (germline): Uncertain significance (1 of 4 stars; one submission).

Allele frequency attached by ClinVar (database versions not stated): ExAC 0.00002.
gnomAD v4.1: 3 of 1,614,110 alleles (0.00019%); highest among the groups gnomAD compares: Non-Finnish European, 0.00017%; no homozygotes.

Submission:

Labcorp Genetics (formerly Invitae), Labcorp
Classification: Uncertain significance. Last evaluated: 2025-09-08. Review status: criteria provided, single submitter. Criteria: Invitae Variant Classification Sherloc (09022015). Collection method: clinical testing. Allele origin: germline.
Comment: This sequence change replaces aspartic acid, which is acidic and polar, with tyrosine, which is neutral and polar, at codon 249 of the KLHL9 protein (p.Asp249Tyr). This variant is present in population databases (rs772666827, gnomAD 0.002%). This variant has not been reported in the literature in individuals affected with KLHL9-related conditions. ClinVar contains an entry for this variant (Variation ID: 1937129). Invitae Evidence Modeling of protein sequence and biophysical properties (such as structural, functional, and spatial information, amino acid conservation, physicochemical variation, residue mobility, and thermodynamic stability) indicates that this missense variant is not expected to disrupt KLHL9 protein function with a negative predictive value of 80%. In summary, the available evidence is currently insufficient to determine the role of this variant in disease. Therefore, it has been classified as a Variant of Uncertain Significance.

NM_018847.4(KLHL9):c.745G>T (p.Asp249Tyr)

Gene: KLHL9 (kelch like family member 9; minus strand). Cytogenetic location: 9p21.3.
Variant type: single nucleotide variant.
Coding change: c.745G>T on transcript NM_018847.4 (MANE Select); coding-DNA position 745, G replaced by T.
Protein change: p.Asp249Tyr; replaces aspartic acid 249 with tyrosine.
Molecular consequence: missense variant.
Genome position (GRCh38, 1-based): chr9:21,334,115, C>A on the plus strand (G>T on the coding strand, the complement: KLHL9 is on the minus strand). VCF-style: chr9-21334115-C-A. GRCh37 (hg19) VCF-style: chr9-21334114-C-A.
Other names: short protein forms D249Y.
Identifiers: ClinVar variation 1937129 (VCV001937129.5), dbSNP rs772666827, ClinGen allele CA5010605.